The following is an entry in ClinVar:

NM_001267550.2(TTN):c.94828+6A>C

Genes: TTN (titin; minus strand), TTN-AS1 (TTN antisense RNA 1; plus strand). Cytogenetic location: 2q31.2.
Variant type: single nucleotide variant.
Coding change: c.94828+6A>C on transcript NM_001267550.2 (MANE Select); 6 bases into the intron after coding-DNA position 94828, A replaced by C.
Molecular consequence: intron variant.
Genome position (GRCh38, 1-based): chr2:178,546,594, T>G on the plus strand (A>C on the coding strand, the complement: TTN is on the minus strand). VCF-style: chr2-178546594-T-G. GRCh37 (hg19) VCF-style: chr2-179411321-T-G.
Other names: c.67633+6A>C (NM_003319.4); c.68209+6A>C (NM_133437.4); c.68008+6A>C (NM_133432.3); c.87124+6A>C (NM_133378.4); c.89905+6A>C (NM_001256850.1).
Identifiers: ClinVar variation 515542 (VCV000515542.1), dbSNP rs1553522625, ClinGen allele CA658795980.

ClinVar aggregate classification (germline): Likely benign (1 of 4 stars; one submission).

Submission:

GeneDx
Classification: Likely benign. Last evaluated: 2018-02-13. Review status: criteria provided, single submitter. Criteria: GeneDx Variant Classification (06012015). Collection method: clinical testing. Allele origin: germline. Affected: yes.
Comment: This variant is considered likely benign or benign based on one or more of the following criteria: it is a conservative change, it occurs at a poorly conserved position in the protein, it is predicted to be benign by multiple in silico algorithms, and/or has population frequency not consistent with disease.